The following is an entry in ClinVar:

ClinVar aggregate classification (germline): Likely pathogenic (1 of 4 stars; one submission).

Conditions:
Hemochromatosis type 3 (HFE3). Also called: HEMOCHROMATOSIS DUE TO DEFECT IN TRANSFERRIN RECEPTOR 2; Hereditary hemochromatosis type 3; TFR2-Related Hemochromatosis. Identifiers: Orphanet 225123, MedGen C1858664, MONDO:0011417, OMIM 604250.

Submission:

Natera, Inc.
Classification: Likely pathogenic for Hereditary hemochromatosis type 3. Last evaluated: 2024-06-28. Review status: criteria provided, single submitter. Criteria: Natera Variant Classification Schema (03/2026). Collection method: clinical testing. Allele origin: germline.
Comment: The c.2112dup variant in TFR2 is a frameshift variant predicted to shift the reading frame beginning at codon 705 and leads to a stop codon 87 codons downstream. This variant is expected to result in nonsense mediated decay, truncation, or a dysfunctional protein product. This variant is rare in the general population with a frequency below the threshold expected for the associated phenotype(s). Given the available evidence, this variant is classified as Likely Pathogenic.

NM_003227.4(TFR2):c.2112dup (p.Met705fs)

Genes: TFR2 (transferrin receptor 2; minus strand), LOC113687175 (Sharpr-MPRA regulatory region 4647; plus strand). Cytogenetic location: 7q22.1.
Variant type: Duplication.
Coding change: c.2112dup on transcript NM_003227.4 (MANE Select); coding-DNA position 2112, one base duplicated (C; older notation c.2112dupC).
Protein change: p.Met705fs; shifts the reading frame from methionine 705.
Molecular consequence: frameshift variant.
Genome position (GRCh38, 1-based): chr7:100,626,787, G duplicated on the plus strand (C on the coding strand, the reverse complement: TFR2 is on the minus strand). VCF-style (leftmost placement, unchanged base first): chr7-100626786-T-TG. GRCh37 (hg19) VCF-style: chr7-100224409-T-TG.
Other names: c.1599dup, p.Met534fs (NM_001206855.3); short protein forms M534fs, M705fs.
Identifiers: ClinVar variation 4815103 (VCV004815103.1).